The following is an entry in ClinVar:

ClinVar aggregate classification (germline): Uncertain significance. Review status: reviewed by expert panel (3 of 4 stars). 2 submissions from 2 submitters: Uncertain significance (1). 1 of the submissions does not count toward it. Last evaluated 2025-07-11.

Conditions:
Inborn genetic diseases. Identifiers: MedGen C0950123, MeSH D030342.
Hereditary thrombocytopenia and hematologic cancer predisposition syndrome. Identifiers: Orphanet 71290, MedGen CN281654, MONDO:0011071.

Submissions (2):

ClinGen Myeloid Malignancy Variant Curation Expert Panel
Classification: Uncertain significance for Hereditary thrombocytopenia and hematologic cancer predisposition syndrome. Last evaluated: 2025-07-11. Review status: reviewed by expert panel. Criteria: ClinGen MyeloMalig ACMG Specifications v2. Collection method: curation. Allele origin: germline. Inheritance: Autosomal dominant inheritance.
Comment: NM_001754.5(RUNX1):c.755C>A (p.Ser252Tyr) is a missense variant which is completely absent from all population databases with at least 20x coverage for RUNX1 (PM2_Supporting). In summary, the clinical significance of this variant is uncertain. ACMG/AMP criteria applied, as specified by the Myeloid Malignancy Variant Curation Expert Panel for RUNX1: PM2_supporting.

Ambry Genetics
Classification: Uncertain significance for Inborn genetic diseases. Last evaluated: 2025-02-13. Review status: criteria provided, single submitter. Criteria: Ambry Variant Classification Scheme 2023. Collection method: clinical testing. Allele origin: germline. Not counted in ClinVar's aggregate classification.
Comment: The p.S252Y variant (also known as c.755C>A), located in coding exon 6 of the RUNX1 gene, results from a C to A substitution at nucleotide position 755. The serine at codon 252 is replaced by tyrosine, an amino acid with dissimilar properties. This amino acid position is conserved. In addition, the in silico prediction for this alteration is inconclusive. Based on the available evidence, the clinical significance of this variant remains unclear.

NM_001754.5(RUNX1):c.755C>A (p.Ser252Tyr)

Gene: RUNX1 (RUNX family transcription factor 1; minus strand). Cytogenetic location: 21q22.12.
Variant type: single nucleotide variant.
Coding change: c.755C>A on transcript NM_001754.5 (MANE Select); coding-DNA position 755, C replaced by A.
Protein change: p.Ser252Tyr; replaces serine 252 with tyrosine.
Molecular consequence: missense variant.
Genome position (GRCh38, 1-based): chr21:34,834,460, G>T on the plus strand (C>A on the coding strand, the complement: RUNX1 is on the minus strand). VCF-style: chr21-34834460-G-T. GRCh37 (hg19) VCF-style: chr21-36206757-G-T.
Other names: NM_001754.5(RUNX1):c.755C>A; p.Ser252Tyr; c.674C>A, p.Ser225Tyr (NM_001001890.3, NM_001122607.2); short protein forms S225Y, S252Y.
Identifiers: ClinVar variation 3791508 (VCV003791508.1).